The following is an entry in ClinVar:

ClinVar aggregate classification (germline): Uncertain significance (1 of 4 stars; one submission).

gnomAD v4.1: 24 of 1,612,452 alleles (0.0015%); highest among the groups gnomAD compares: South Asian, 0.027%; 2 homozygotes.

Submission:

Labcorp Genetics (formerly Invitae), Labcorp
Classification: Uncertain significance. Last evaluated: 2024-12-24. Review status: criteria provided, single submitter. Criteria: Invitae Variant Classification Sherloc (09022015). Collection method: clinical testing. Allele origin: germline.
Comment: This sequence change replaces valine, which is neutral and non-polar, with methionine, which is neutral and non-polar, at codon 211 of the BUB1 protein (p.Val211Met). This variant is present in population databases (rs776622362, gnomAD 0.03%). This variant has not been reported in the literature in individuals affected with BUB1-related conditions. Experimental studies and prediction algorithms are not available or were not evaluated, and the functional significance of this variant is currently unknown. In summary, the available evidence is currently insufficient to determine the role of this variant in disease. Therefore, it has been classified as a Variant of Uncertain Significance.

NM_004336.5(BUB1):c.631G>A (p.Val211Met)

Gene: BUB1 (BUB1 mitotic checkpoint serine/threonine kinase; minus strand). Cytogenetic location: 2q13.
Variant type: single nucleotide variant.
Coding change: c.631G>A on transcript NM_004336.5 (MANE Select); coding-DNA position 631, G replaced by A.
Protein change: p.Val211Met; replaces valine 211 with methionine.
Molecular consequence: missense variant.
Genome position (GRCh38, 1-based): chr2:110,667,695, C>T on the plus strand (G>A on the coding strand, the complement: BUB1 is on the minus strand). VCF-style: chr2-110667695-C-T. GRCh37 (hg19) VCF-style: chr2-111425272-C-T.
Other names: c.571G>A, p.Val191Met (NM_001278616.2); c.631G>A, p.Val211Met (NM_001278617.2); short protein forms V191M, V211M.
Identifiers: ClinVar variation 3706588 (VCV003706588.2).